The following is an entry in ClinVar:

NM_005120.3(MED12):c.3743A>T (p.Glu1248Val)

Gene: MED12 (mediator complex subunit 12; plus strand). Cytogenetic location: Xq13.1.
Variant type: single nucleotide variant.
Coding change: c.3743A>T on transcript NM_005120.3 (MANE Select); coding-DNA position 3743, A replaced by T.
Protein change: p.Glu1248Val; replaces glutamic acid 1248 with valine.
Molecular consequence: missense variant.
Genome position (GRCh38, 1-based): chrX:71,129,731, A>T. VCF-style: chrX-71129731-A-T. GRCh37 (hg19) VCF-style: chrX-70349581-A-T.
Other names: c.3743A>T (NM_005120.2); short protein forms E1248V.
Identifiers: ClinVar variation 3013114 (VCV003013114.4), dbSNP rs2519693680, ClinGen allele CA413522193.
Genomic context (GRCh38, chrX:71,129,731, plus strand): 5'-GAACCACAGGGGATGCGGAACTGAAAGGTTCAGGCTTCACTGTGACAGGAGGAACAGAAG[A>T]ACTTCCAGAGGAGGAGGGAGGAGGTGGCAGTGGTGGTCGGAGGCAGGGTGGCCGCAACAT-3'
Protein context (NP_005111.2, residues 1238-1258): SGFTVTGGTE[Glu1248Val]LPEEEGGGGS

ClinVar aggregate classification (germline): Uncertain significance. Review status: criteria provided, multiple submitters, no conflicts (2 of 4 stars). 2 submissions from 2 submitters: Uncertain significance (2). Last evaluated 2025-02-04.

Conditions:
FG syndrome (FGS). Identifiers: MedGen C0220769, MONDO:0002010.
Familial thoracic aortic aneurysm and aortic dissection (TAAD). Also called: Thoracic aortic aneurysms and dissections. Identifiers: Orphanet 91387, MedGen C4707243, MONDO:0019625.

Submissions (2):

Ambry Genetics
Classification: Uncertain significance for Familial thoracic aortic aneurysm and aortic dissection. Last evaluated: 2025-02-04. Review status: criteria provided, single submitter. Criteria: Ambry Variant Classification Scheme 2023. Collection method: clinical testing. Allele origin: germline.
Comment: The p.E1248V variant (also known as c.3743A>T), located in coding exon 27 of the MED12 gene, results from an A to T substitution at nucleotide position 3743. The glutamic acid at codon 1248 is replaced by valine, an amino acid with dissimilar properties. This amino acid position is well conserved in available vertebrate species. In addition, this alteration is predicted to be tolerated by in silico analysis. Based on the available evidence, the clinical significance of this variant remains unclear.

Labcorp Genetics (formerly Invitae), Labcorp
Classification: Uncertain significance for FG syndrome. Last evaluated: 2024-01-05. Review status: criteria provided, single submitter. Criteria: Invitae Variant Classification Sherloc (09022015). Collection method: clinical testing. Allele origin: germline.
Comment: This sequence change replaces glutamic acid, which is acidic and polar, with valine, which is neutral and non-polar, at codon 1248 of the MED12 protein (p.Glu1248Val). This variant is not present in population databases (gnomAD no frequency). This variant has not been reported in the literature in individuals affected with MED12-related conditions. Advanced modeling of protein sequence and biophysical properties (such as structural, functional, and spatial information, amino acid conservation, physicochemical variation, residue mobility, and thermodynamic stability) performed at Invitae indicates that this missense variant is not expected to disrupt MED12 protein function with a negative predictive value of 95%. In summary, the available evidence is currently insufficient to determine the role of this variant in disease. Therefore, it has been classified as a Variant of Uncertain Significance.